The following is an entry in ClinVar:

NM_020937.4(FANCM):c.3058T>A (p.Leu1020Met)

Gene: FANCM (FA complementation group M; plus strand). Cytogenetic location: 14q21.2.
Variant type: single nucleotide variant.
Coding change: c.3058T>A on transcript NM_020937.4 (MANE Select); coding-DNA position 3058, T replaced by A.
Protein change: p.Leu1020Met; replaces leucine 1020 with methionine.
Molecular consequence: missense variant.
Genome position (GRCh38, 1-based): chr14:45,175,812, T>A. VCF-style: chr14-45175812-T-A. GRCh37 (hg19) VCF-style: chr14-45645015-T-A.
Other names: c.2980T>A, p.Leu994Met (NM_001308133.2); short protein forms L994M, L1020M.
Identifiers: ClinVar variation 2699070 (VCV002699070.6), dbSNP rs747842904, ClinGen allele CA7169457.

ClinVar aggregate classification (germline): Uncertain significance. Review status: criteria provided, multiple submitters, no conflicts (2 of 4 stars). 4 submissions from 4 submitters: Uncertain significance (4). Last evaluated 2024-11-23.

Conditions:
Spermatogenic failure 28. Identifiers: MedGen C4748117, MONDO:0054732, OMIM 618086.
Premature ovarian failure 15. Identifiers: MedGen C4748170, MONDO:0054862, OMIM 618096.
Inborn genetic diseases. Identifiers: MedGen C0950123, MeSH D030342.
Fanconi anemia (FA). Also called: Fanconi's anemia. Identifiers: Orphanet 84, MedGen C0015625, MeSH D005199, MONDO:0019391.

Allele frequency attached by ClinVar (database versions not stated): gnomAD exomes below 0.00001; ExAC 0.00001; TOPMed 0.00002.
gnomAD v4.1: 5 of 1,613,938 alleles (0.00031%); no homozygotes.

Submissions (4):

Ambry Genetics
Classification: Uncertain significance for Inborn genetic diseases. Last evaluated: 2024-11-23. Review status: criteria provided, single submitter. Criteria: Ambry Variant Classification Scheme 2023. Collection method: clinical testing. Allele origin: germline.
Comment: The p.L1020M variant (also known as c.3058T>A), located in coding exon 14 of the FANCM gene, results from a T to A substitution at nucleotide position 3058. The leucine at codon 1020 is replaced by methionine, an amino acid with highly similar properties. This amino acid position is conserved. In addition, this alteration is predicted to be tolerated by in silico analysis. Based on the available evidence, the clinical significance of this variant remains unclear.

Fulgent Genetics
Classification: Uncertain significance for Spermatogenic failure 28; Premature ovarian failure 15. Last evaluated: 2024-04-30. Review status: criteria provided, single submitter. Criteria: ACMG Guidelines, 2015. Collection method: clinical testing. Allele origin: germline.

Labcorp Genetics (formerly Invitae), Labcorp
Classification: Uncertain significance for Fanconi anemia. Last evaluated: 2024-02-03. Review status: criteria provided, single submitter. Criteria: Invitae Variant Classification Sherloc (09022015). Collection method: clinical testing. Allele origin: germline.
Comment: This sequence change replaces leucine, which is neutral and non-polar, with methionine, which is neutral and non-polar, at codon 1020 of the FANCM protein (p.Leu1020Met). This variant is present in population databases (rs747842904, gnomAD 0.01%). This variant has not been reported in the literature in individuals affected with FANCM-related conditions. An algorithm developed to predict the effect of missense changes on protein structure and function (PolyPhen-2) suggests that this variant is likely to be disruptive. In summary, the available evidence is currently insufficient to determine the role of this variant in disease. Therefore, it has been classified as a Variant of Uncertain Significance.

GeneDx
Classification: Uncertain significance. Last evaluated: 2023-07-25. Review status: criteria provided, single submitter. Criteria: GeneDx Variant Classification Process June 2021. Collection method: clinical testing. Allele origin: germline. Affected: yes.
Comment: Not observed at significant frequency in large population cohorts (gnomAD); In silico analysis supports that this missense variant does not alter protein structure/function; Has not been previously published as pathogenic or benign to our knowledge